The following is an entry in ClinVar:

NM_005902.4(SMAD3):c.1160dup (p.Thr388fs)

Gene: SMAD3 (SMAD family member 3; plus strand). Cytogenetic location: 15q22.33.
Variant type: Duplication.
Coding change: c.1160dup on transcript NM_005902.4 (MANE Select); coding-DNA position 1160, one base duplicated (A; older notation c.1160dupA).
Protein change: p.Thr388fs; shifts the reading frame from threonine 388.
Molecular consequence: frameshift variant.
Genome position (GRCh38, 1-based): chr15:67,190,418, A duplicated. VCF-style (leftmost placement, unchanged base first): chr15-67190417-C-CA. GRCh37 (hg19) VCF-style: chr15-67482755-C-CA.
Other names: c.845dup, p.Thr283fs (NM_001145102.2, NM_001407016.1); c.1028dup, p.Thr344fs (NM_001145103.2, NM_001407012.1); c.575dup, p.Thr193fs (NM_001145104.2, NM_001407017.1); c.1271dup, p.Thr425fs (NM_001407011.1); c.1022dup, p.Thr342fs (NM_001407013.1); c.1013dup, p.Thr339fs (NM_001407014.1); c.713dup, p.Thr239fs (NM_001407015.1); short protein forms T342fs, T239fs, T283fs, T344fs, T425fs, T193fs, T388fs, T339fs.
Identifiers: ClinVar variation 4730580 (VCV004730580.1).
Genomic context (GRCh38, chr15:67,190,417, plus strand): 5'-AACCCCCTGGAGATTTTTTAAGTCCCCCACCCCACCCCTTTCCCTATTTCTTACAGGAGA[C>CA]AGACTGTGACCAGTACCCCCTGCTGGATTGAGCTGCACCTGAATGGGCCTTTGCAGTGGC-3'

ClinVar aggregate classification (germline): Pathogenic (1 of 4 stars; one submission).

Conditions:
Familial thoracic aortic aneurysm and aortic dissection (TAAD). Also called: Thoracic aortic aneurysms and dissections. Identifiers: Orphanet 91387, MedGen C4707243, MONDO:0019625.

Submission:

Labcorp Genetics (formerly Invitae), Labcorp
Classification: Pathogenic for Familial thoracic aortic aneurysm and aortic dissection. Last evaluated: 2025-11-18. Review status: criteria provided, single submitter. Criteria: Invitae Variant Classification Sherloc (09022015). Collection method: clinical testing. Allele origin: germline.
Comment: This sequence change creates a premature translational stop signal (p.Thr388Aspfs*10) in the SMAD3 gene. While this is not anticipated to result in nonsense mediated decay, it is expected to disrupt the last 38 amino acid(s) of the SMAD3 protein. This variant is not present in population databases (gnomAD no frequency). This variant has not been reported in the literature in individuals affected with SMAD3-related conditions. This variant disrupts a region of the SMAD3 protein in which other variant(s) (p.Ser425Cys) have been determined to be pathogenic (PMID: 23139211). This suggests that this is a clinically significant region of the protein, and that variants that disrupt it are likely to be disease-causing. For these reasons, this variant has been classified as Pathogenic.

Literature cited by the submitters: PubMed 23139211.